The following is an entry in ClinVar:

ClinVar aggregate classification (germline): Uncertain significance. Review status: criteria provided, multiple submitters, no conflicts (2 of 4 stars). 12 submissions from 12 submitters: Uncertain significance (12). Last evaluated 2026-08-17.

Conditions:
MYBPC3-related disorder. Also called: MYBPC3-related disorders; MYBPC3-related condition; MYBPC3-related disease.
Hypertrophic cardiomyopathy 4. Also called: Familial hypertrophic cardiomyopathy 4. Identifiers: MedGen C1861862, MONDO:0007268, OMIM 115197.
Left ventricular noncompaction 10 (LVNC10). Identifiers: Orphanet 154, Orphanet 54260, MedGen C3715165, MONDO:0014163, OMIM 615396.
Cardiovascular phenotype. Identifiers: MedGen CN230736.
Cardiomyopathy (CMYO). Also called: Cardiomyopathies. Identifiers: Orphanet 167848, MedGen C0878544, MONDO:0004994, HP:0001638. Inheritance: Various modes of inheritance.
Hypertrophic cardiomyopathy. Also called: HYPERTROPHIC MYOCARDIOPATHY. Identifiers: Orphanet 217569, MedGen C0007194, MeSH D002312, MONDO:0005045, HP:0001639.

Allele frequency attached by ClinVar (database versions not stated): TOPMed 0.00018; 1000 Genomes Project 30x 0.00031; 1000 Genomes Project 0.00040; gnomAD exomes 0.00004 and 0.00007; ExAC 0.00009; ESP Exome Variant Server 0.00016; gnomAD 0.00017 and 0.00018.
gnomAD v4.1: 86 of 1,607,962 alleles (0.0053%); highest among the groups gnomAD compares: African/African-American, 0.052%; no homozygotes.

Submissions (12):

PreventionGenetics, part of Exact Sciences
Classification: Uncertain significance for MYBPC3-related condition. Last evaluated: 2026-08-17. Review status: criteria provided, single submitter. Criteria: ACMG Guidelines, 2015. Collection method: clinical testing. Allele origin: germline.
Comment: The MYBPC3 c.3415G>A variant is predicted to result in the amino acid substitution p.Val1139Ile. This variant was reported as uncertain significance in individuals with hypertrophic cardiomyopathy and/or muscular dystrophy (Table S1B, Walsh et al. 2017. PubMed ID: 27532257; Kurzlechner et al. 2022. PubMed ID: 35629155; Janin et al. 2022. PubMed ID: 35838873). This variant is reported in 0.048% of alleles in individuals of African descent in gnomAD. At this time, the clinical significance of this variant is uncertain due to the absence of conclusive functional and genetic evidence.

GeneDx
Classification: Uncertain significance. Last evaluated: 2025-04-09. Review status: criteria provided, single submitter. Criteria: GeneDx Variant Classification Process June 2021. Collection method: clinical testing. Allele origin: germline. Affected: yes.
Comment: In silico analysis indicates that this missense variant does not alter protein structure/function; This variant is associated with the following publications: (PMID: 35629155, 37652022, 27532257, 35838873)

All of Us Research Program, National Institutes of Health
Classification: Uncertain significance for Hypertrophic cardiomyopathy. Last evaluated: 2024-08-23. Review status: criteria provided, single submitter. Criteria: ACMG Guidelines, 2015. Collection method: clinical testing. Allele origin: germline. Inheritance: Autosomal dominant inheritance. Observed: 18 variant alleles, 18 heterozygotes.
Comment: This missense variant replaces valine with isoleucine at codon 1139 of the MYBPC3 protein. Computational prediction suggests that this variant may not impact protein structure and function (internally defined REVEL score threshold <= 0.5, PMID: 27666373). To our knowledge, functional studies have not been reported for this variant. This variant has been reported in an individual affected with hypertrophic cardiomyopathy (PMID: 27532257). This variant has also been identified in 22/268026 chromosomes in the general population by the Genome Aggregation Database (gnomAD). The available evidence is insufficient to determine the role of this variant in disease conclusively. Therefore, this variant is classified as a Variant of Uncertain Significance.

This study involves interpretation of variants in research participants for the purpose of population health screening. Participant phenotype was not available at the time of variant classification. Additional details can be found in publication PMID: 35346344, PMCID: PMC8962531

Color Diagnostics, LLC DBA Color Health
Classification: Uncertain significance for Cardiomyopathy. Last evaluated: 2024-07-18. Review status: criteria provided, single submitter. Criteria: ACMG Guidelines, 2015. Collection method: clinical testing. Allele origin: germline.
Comment: This missense variant replaces valine with isoleucine at codon 1139 of the MYBPC3 protein. Computational prediction tools indicate that this variant has a neutral impact on protein structure and function. To our knowledge, functional studies have not been reported for this variant. This variant has been reported in an individual affected with hypertrophic cardiomyopathy (PMID: 27532257). This variant has been identified in 22/268026 chromosomes in the general population by the Genome Aggregation Database (gnomAD). The available evidence is insufficient to determine the role of this variant in disease conclusively. Therefore, this variant is classified as a Variant of Uncertain Significance.

Mayo Clinic Laboratories, Mayo Clinic
Classification: Uncertain significance. Last evaluated: 2024-03-01. Review status: criteria provided, single submitter. Criteria: ACMG Guidelines, 2015. Collection method: clinical testing. Allele origin: germline. Observed: 1 variant allele.
Comment: BS1, BP4, PS4_moderate

Women's Health and Genetics/Laboratory Corporation of America, LabCorp
Classification: Uncertain significance. Last evaluated: 2024-02-12. Review status: criteria provided, single submitter. Criteria: LabCorp Variant Classification Summary - May 2015. Collection method: clinical testing. Allele origin: germline.
Comment: Variant summary: MYBPC3 c.3415G>A (p.Val1139Ile) results in a conservative amino acid change located in the Fibronectin type III (IPR003961) of the encoded protein sequence. Four of five in-silico tools predict a benign effect of the variant on protein function. The variant allele was found at a frequency of 5.3e-05 in 1607962 control chromosomes, predominantly at a frequency of 0.00052 within the African or African-American subpopulation in the gnomAD database (v 4.0.0). This frequency is not significantly higher than estimated for a pathogenic variant in MYBPC3 causing Hypertrophic Cardiomyopathy (5.3e-05 vs 0.001), allowing no conclusion about variant significance. c.3415G>A has been reported in the literature in individuals affected with Hypertrophic Cardiomyopathy (Bick_2012, Walsh_2012) without evidence for causality. These reports do not provide unequivocal conclusions about association of the variant with Hypertrophic Cardiomyopathy. To our knowledge, no experimental evidence demonstrating an impact on protein function has been reported. The following publications have been ascertained in the context of this evaluation (PMID: 22958901, 27532257). ClinVar contains an entry for this variant (Variation ID: 42713). Based on the evidence outlined above, the variant was classified as uncertain significance.

Labcorp Genetics (formerly Invitae), Labcorp
Classification: Uncertain significance for Hypertrophic cardiomyopathy. Last evaluated: 2023-12-11. Review status: criteria provided, single submitter. Criteria: Invitae Variant Classification Sherloc (09022015). Collection method: clinical testing. Allele origin: germline.
Comment: This sequence change replaces valine, which is neutral and non-polar, with isoleucine, which is neutral and non-polar, at codon 1139 of the MYBPC3 protein (p.Val1139Ile). This variant is present in population databases (rs373519667, gnomAD 0.04%), and has an allele count higher than expected for a pathogenic variant. This missense change has been observed in individual(s) with hypertrophic cardiomyopathy (PMID: 27532257). ClinVar contains an entry for this variant (Variation ID: 42713). Algorithms developed to predict the effect of missense changes on protein structure and function output the following: SIFT: "Not Available"; PolyPhen-2: "Benign"; Align-GVGD: "Not Available". The isoleucine amino acid residue is found in multiple mammalian species, which suggests that this missense change does not adversely affect protein function. In summary, the available evidence is currently insufficient to determine the role of this variant in disease. Therefore, it has been classified as a Variant of Uncertain Significance.

Athena Diagnostics
Classification: Uncertain significance. Last evaluated: 2022-01-17. Review status: criteria provided, single submitter. Criteria: Athena Diagnostics Criteria. Collection method: clinical testing. Allele origin: unknown.

Ambry Genetics
Classification: Uncertain significance for Cardiovascular phenotype. Last evaluated: 2021-12-22. Review status: criteria provided, single submitter. Criteria: Ambry Variant Classification Scheme 2023. Collection method: clinical testing. Allele origin: germline.

Fulgent Genetics
Classification: Uncertain significance for Hypertrophic cardiomyopathy 4; Left ventricular noncompaction 10. Last evaluated: 2021-09-01. Review status: criteria provided, single submitter. Criteria: ACMG Guidelines, 2015. Collection method: clinical testing. Allele origin: unknown.

Department of Pathology and Laboratory Medicine, Sinai Health System
Classification: Uncertain significance for Hypertrophic cardiomyopathy 4; Left ventricular noncompaction 10. Last evaluated: 2020-07-21. Review status: criteria provided, single submitter. Criteria: ACMG Guidelines, 2015. Collection method: research. Allele origin: germline.

Laboratory for Molecular Medicine, Mass General Brigham Personalized Medicine
Classification: Uncertain significance. Last evaluated: 2012-02-07. Review status: criteria provided, single submitter. Criteria: LMM Criteria. Collection method: clinical testing. Allele origin: germline. Observed: 1 variant allele.
Comment: The Val1139Ile variant (MYBPC3) has been identified in 1/3308 of African America n chromosomes by the NHLBI Exome Sequencing Project in a broad population. Valine (Val) at position 1139 is highly conserved in mammals and across evolutionarily distant species, though computational analy ses (biochemical amino acid properties, AlignGVGD, PolyPhen2, and SIFT) do not p rovide strong support for or against an impact to the protein. Additional inform ation is needed to fully assess the clinical significance of the Val1138Ile vari ant.

Literature cited by the submitters: PubMed 27532257 (cited by 6 submitters); PubMed 35629155 (cited by Mayo Clinic Laboratories, Mayo Clinic); PubMed 35838873 (cited by Mayo Clinic Laboratories, Mayo Clinic); PubMed 37652022 (cited by Mayo Clinic Laboratories, Mayo Clinic); PubMed 22958901 (cited by Women's Health and Genetics/Laboratory Corporation of America, LabCorp).

NM_000256.3(MYBPC3):c.3415G>A (p.Val1139Ile)

Gene: MYBPC3 (myosin binding protein C3; minus strand). Cytogenetic location: 11p11.2.
Variant type: single nucleotide variant.
Coding change: c.3415G>A on transcript NM_000256.3 (MANE Select); coding-DNA position 3415, G replaced by A.
Protein change: p.Val1139Ile; replaces valine 1139 with isoleucine.
Molecular consequence: missense variant.
Genome position (GRCh38, 1-based): chr11:47,332,889, C>T on the plus strand (G>A on the coding strand, the complement: MYBPC3 is on the minus strand). VCF-style: chr11-47332889-C-T. GRCh37 (hg19) VCF-style: chr11-47354440-C-T.
Other names: p.V1139I:GTC>ATC; short protein forms V1139I.
Identifiers: ClinVar variation 42713 (VCV000042713.33), dbSNP rs373519667, ClinGen allele CA014146.